The following is an entry in ClinVar:

NM_024675.4(PALB2):c.1004dup (p.Asn335fs)

Gene: PALB2 (partner and localizer of BRCA2; minus strand). Cytogenetic location: 16p12.2.
Variant type: Duplication.
Coding change: c.1004dup on transcript NM_024675.4 (MANE Select); coding-DNA position 1004, one base duplicated (A; older notation c.1004dupA).
Protein change: p.Asn335fs; shifts the reading frame from asparagine 335.
Molecular consequence: frameshift variant.
Genome position (GRCh38, 1-based): chr16:23,635,542, T duplicated on the plus strand (A on the coding strand, the reverse complement: PALB2 is on the minus strand); the first of 2 consecutive T bases (chr16:23,635,542-23,635,543); duplicating either gives the same sequence. VCF-style (leftmost placement, unchanged base first): chr16-23635541-A-AT. GRCh37 (hg19) VCF-style: chr16-23646862-A-AT.
Other names: c.1003dup, p.Asn335Lysfs (NM_001407300.1, NM_001407301.1, NM_001407302.1 and 3 more transcripts); c.118dup, p.Asn40Lysfs (NM_001407305.1, NM_001407307.1, NM_001407308.1 and 5 more transcripts); c.943dup, p.Asn315Lysfs (NM_001407296.1); c.1004dupA (NM_024675.3); short protein forms N335fs.
Identifiers: ClinVar variation 1778479 (VCV001778479.2), dbSNP rs2506492767, ClinGen allele CA2580091324.

ClinVar aggregate classification (germline): Pathogenic (1 of 4 stars; one submission).

Conditions:
Hereditary cancer-predisposing syndrome. Also called: Neoplastic Syndromes, Hereditary; Tumor predisposition; Hereditary Cancer Syndrome; Hereditary neoplastic syndrome. Identifiers: Orphanet 140162, MedGen C0027672, MeSH D009386, MONDO:0015356.

Submission:

Ambry Genetics
Classification: Pathogenic for Hereditary cancer-predisposing syndrome. Last evaluated: 2022-03-02. Review status: criteria provided, single submitter. Criteria: Ambry Variant Classification Scheme 2023. Collection method: clinical testing. Allele origin: germline.
Comment: The c.1004dupA pathogenic mutation, located in coding exon 4 of the PALB2 gene, results from a duplication of A at nucleotide position 1004, causing a translational frameshift with a predicted alternate stop codon (p.N335Kfs*2). This variant is considered to be rare based on population cohorts in the Genome Aggregation Database (gnomAD). This alteration is expected to result in loss of function by premature protein truncation or nonsense-mediated mRNA decay. As such, this alteration is interpreted as a disease-causing mutation.